The following is an entry in ClinVar:

ClinVar aggregate classification (germline): Pathogenic/Likely pathogenic. Review status: criteria provided, multiple submitters, no conflicts (2 of 4 stars). 3 submissions from 3 submitters: Pathogenic (1); Likely pathogenic (2). Last evaluated 2025-02-19.

Conditions:
Congenital microcephaly - severe encephalopathy - progressive cerebral atrophy syndrome. Also called: Asparagine synthetase deficiency; ASNS DEFICIENCY. Identifiers: Orphanet 391376, MedGen C3809971, MONDO:0014258, OMIM 615574.

Allele frequency attached by ClinVar (database versions not stated): gnomAD exomes 0.00001.
gnomAD v4.1: 9 of 1,612,684 alleles (0.00056%); highest among the groups gnomAD compares: Non-Finnish European, 0.00076%; no homozygotes.

Submissions (3):

Natera, Inc.
Classification: Likely pathogenic for Asparagine synthetase deficiency. Last evaluated: 2025-02-19. Review status: criteria provided, single submitter. Criteria: Natera Variant Classification Schema (03/2026). Collection method: clinical testing. Allele origin: germline.
Comment: The c.685G>T variant in ASNS is a nonsense variant predicted to introduce a stop codon at amino acid 229. This variant is expected to result in nonsense mediated decay, truncation, or a dysfunctional protein product. This variant is rare in the general population with a frequency below the threshold expected for the associated phenotype(s). Given the available evidence, this variant is classified as Likely Pathogenic.

Labcorp Genetics (formerly Invitae), Labcorp
Classification: Pathogenic. Last evaluated: 2024-10-24. Review status: criteria provided, single submitter. Criteria: Invitae Variant Classification Sherloc (09022015). Collection method: clinical testing. Allele origin: germline.
Comment: This sequence change creates a premature translational stop signal (p.Glu229*) in the ASNS gene. It is expected to result in an absent or disrupted protein product. Loss-of-function variants in ASNS are known to be pathogenic (PMID: 27422383, 30057589). This variant is not present in population databases (gnomAD no frequency). This variant has not been reported in the literature in individuals affected with ASNS-related conditions. ClinVar contains an entry for this variant (Variation ID: 1073336). Algorithms developed to predict the effect of sequence changes on RNA splicing suggest that this variant may disrupt the consensus splice site. For these reasons, this variant has been classified as Pathogenic.

Fulgent Genetics
Classification: Likely pathogenic for Congenital microcephaly - severe encephalopathy - progressive cerebral atrophy syndrome. Last evaluated: 2024-05-29. Review status: criteria provided, single submitter. Criteria: ACMG Guidelines, 2015. Collection method: clinical testing. Allele origin: germline.

Literature cited by the submitters: PubMed 27422383 (cited by Labcorp Genetics (formerly Invitae), Labcorp); PubMed 30057589 (cited by Labcorp Genetics (formerly Invitae), Labcorp).

NM_001673.5(ASNS):c.685G>T (p.Glu229Ter)

Genes: ASNS (asparagine synthetase (glutamine-hydrolyzing); minus strand), CZ1P-ASNS (CZ1P-ASNS readthrough; minus strand). Cytogenetic location: 7q21.3.
Variant type: single nucleotide variant.
Coding change: c.685G>T on transcript NM_001673.5 (MANE Select); coding-DNA position 685, G replaced by T.
Protein change: p.Glu229Ter; replaces glutamic acid 229 with a stop codon.
Molecular consequence: nonsense. On other transcripts: non-coding transcript variant (1).
Genome position (GRCh38, 1-based): chr7:97,858,944, C>A on the plus strand (G>T on the coding strand, the complement: ASNS is on the minus strand). VCF-style: chr7-97858944-C-A. GRCh37 (hg19) VCF-style: chr7-97488256-C-A.
Other names: c.622G>T, p.Glu208Ter (NM_001178075.2); c.436G>T, p.Glu146Ter (NM_001178076.2, NM_001178077.1); c.685G>T, p.Glu229Ter (NM_001352496.2, NM_133436.3, NM_183356.4); short protein forms E146*, E208*, E229*.
Identifiers: ClinVar variation 1073336 (VCV001073336.9), dbSNP rs1488937281, ClinGen allele CA368269013.